The following is an entry in ClinVar:

ClinVar aggregate classification (germline): Uncertain significance (1 of 4 stars; one submission).

Conditions:
Gorlin syndrome. Also called: Basal cell nevus syndrome; Nevoid Basal Cell Carcinoma Syndrome. Identifiers: Orphanet 377, MedGen C0004779, MONDO:0007187.

Allele frequency attached by ClinVar (database versions not stated): 1000 Genomes Project 30x 0.00031; 1000 Genomes Project 0.00040.
gnomAD v4.1: 14 of 1,614,140 alleles (0.00087%); highest among the groups gnomAD compares: South Asian, 0.0099%; no homozygotes.

Submission:

Labcorp Genetics (formerly Invitae), Labcorp
Classification: Uncertain significance for Gorlin syndrome. Last evaluated: 2023-06-19. Review status: criteria provided, single submitter. Criteria: Invitae Variant Classification Sherloc (09022015). Collection method: clinical testing. Allele origin: germline.
Comment: This sequence change replaces valine, which is neutral and non-polar, with leucine, which is neutral and non-polar, at codon 93 of the PTCH2 protein (p.Val93Leu). This variant is present in population databases (rs145784624, gnomAD 0.007%). This variant has not been reported in the literature in individuals affected with PTCH2-related conditions. ClinVar contains an entry for this variant (Variation ID: 1358559). Advanced modeling of protein sequence and biophysical properties (such as structural, functional, and spatial information, amino acid conservation, physicochemical variation, residue mobility, and thermodynamic stability) performed at Invitae indicates that this missense variant is not expected to disrupt PTCH2 protein function. In summary, the available evidence is currently insufficient to determine the role of this variant in disease. Therefore, it has been classified as a Variant of Uncertain Significance.

NM_003738.5(PTCH2):c.277G>C (p.Val93Leu)

Gene: PTCH2 (patched 2; minus strand). Cytogenetic location: 1p34.1.
Variant type: single nucleotide variant.
Coding change: c.277G>C on transcript NM_003738.5 (MANE Select); coding-DNA position 277, G replaced by C.
Protein change: p.Val93Leu; replaces valine 93 with leucine.
Molecular consequence: missense variant.
Genome position (GRCh38, 1-based): chr1:44,832,330, C>G on the plus strand (G>C on the coding strand, the complement: PTCH2 is on the minus strand). VCF-style: chr1-44832330-C-G. GRCh37 (hg19) VCF-style: chr1-45298002-C-G.
Other names: c.277G>C, p.Val93Leu (NM_001166292.2); short protein forms V93L.
Identifiers: ClinVar variation 1358559 (VCV001358559.6), dbSNP rs145784624, ClinGen allele CA823680.